The following is an entry in ClinVar:

NM_024408.4(NOTCH2):c.4550A>G (p.His1517Arg)

Gene: NOTCH2 (notch receptor 2; minus strand). Cytogenetic location: 1p12.
Variant type: single nucleotide variant.
Coding change: c.4550A>G on transcript NM_024408.4 (MANE Select); coding-DNA position 4550, A replaced by G.
Protein change: p.His1517Arg; replaces histidine 1517 with arginine.
Molecular consequence: missense variant.
Genome position (GRCh38, 1-based): chr1:119,923,946, T>C on the plus strand (A>G on the coding strand, the complement: NOTCH2 is on the minus strand). VCF-style: chr1-119923946-T-C. GRCh37 (hg19) VCF-style: chr1-120466569-T-C.
Other names: short protein forms H1517R.
Identifiers: ClinVar variation 4681020 (VCV004681020.2).
Genomic context (GRCh38, chr1:119,923,946, plus strand): 5'-TCAGCAGCACAGTCCAGCCCATCCCAACCACACTCCTCACTGTTGCACCCCTGGTCACAG[T>C]GGTTGTCTTTGAAGTGGTCTGCACAGTATTTGTCATACCTAGGTAAGGGGAAGCAGAGAA-3'
Protein context (NP_077719.2, residues 1507-1527): KYCADHFKDN[His1517Arg]CDQGCNSEEC

ClinVar aggregate classification (germline): Uncertain significance. Review status: criteria provided, multiple submitters, no conflicts (2 of 4 stars). 2 submissions from 2 submitters: Uncertain significance (2). Last evaluated 2025-07-02.

Conditions:
NOTCH2-related disorder. Also called: NOTCH2-related condition.

Submissions (2):

GeneDx
Classification: Uncertain significance. Last evaluated: 2025-07-02. Review status: criteria provided, single submitter. Criteria: GeneDx Variant Classification Process June 2021. Collection method: clinical testing. Allele origin: germline. Affected: yes.
Comment: Not observed at significant frequency in large population cohorts (gnomAD); In silico analysis supports that this missense variant has a deleterious effect on protein structure/function; Has not been previously published as pathogenic or benign to our knowledge

PreventionGenetics, part of Exact Sciences
Classification: Uncertain significance for NOTCH2-related condition. Last evaluated: 2024-11-03. Review status: criteria provided, single submitter. Criteria: ACMG Guidelines, 2015. Collection method: clinical testing. Allele origin: germline.
Comment: The NOTCH2 c.4550A>G variant is predicted to result in the amino acid substitution p.His1517Arg. To our knowledge, this variant has not been reported in the literature or in a large population database (gnomAD), indicating this variant is rare. At this time, the clinical significance of this variant is uncertain due to the absence of conclusive functional and genetic evidence.